The following is an entry in ClinVar:

ClinVar aggregate classification (germline): Uncertain significance (1 of 4 stars; one submission).

Allele frequency attached by ClinVar (database versions not stated): ExAC 0.00001; gnomAD exomes 0.00001.
gnomAD v4.1: 12 of 1,142,512 alleles (0.0011%); highest among the groups gnomAD compares: East Asian, 0.033%; no homozygotes.

Submission:

Labcorp Genetics (formerly Invitae), Labcorp
Classification: Uncertain significance. Last evaluated: 2026-01-24. Review status: criteria provided, single submitter. Criteria: Invitae Variant Classification Sherloc (09022015). Collection method: clinical testing. Allele origin: germline.
Comment: This sequence change falls in intron 1 of the GRIA3 gene. It does not directly change the encoded amino acid sequence of the GRIA3 protein. It affects a nucleotide within the consensus splice site. This variant is present in population databases (rs756076055, gnomAD 0.06%). This variant has not been reported in the literature in individuals affected with GRIA3-related conditions. ClinVar contains an entry for this variant (Variation ID: 2768771). Variants that disrupt the consensus splice site are a relatively common cause of aberrant splicing (PMID: 17576681, 9536098). Algorithms developed to predict the effect of sequence changes on RNA splicing suggest that this variant is not likely to affect RNA splicing. In summary, the available evidence is currently insufficient to determine the role of this variant in disease. Therefore, it has been classified as a Variant of Uncertain Significance.

Literature cited by the submitters: PubMed 17576681; PubMed 9536098.

NM_007325.5(GRIA3):c.109+6C>T

Gene: GRIA3 (glutamate ionotropic receptor AMPA type subunit 3; plus strand). Cytogenetic location: Xq25.
Variant type: single nucleotide variant.
Coding change: c.109+6C>T on transcript NM_007325.5 (MANE Select); 6 bases into the intron after coding-DNA position 109, C replaced by T.
Molecular consequence: intron variant.
Genome position (GRCh38, 1-based): chrX:123,184,650, C>T. VCF-style: chrX-123184650-C-T. GRCh37 (hg19) VCF-style: chrX-122318502-C-T.
Other names: c.109+6C>T (NM_000828.5, NM_001256743.2).
Identifiers: ClinVar variation 2768771 (VCV002768771.3), dbSNP rs756076055, ClinGen allele CA10506820.